The following is an entry in ClinVar:

ClinVar aggregate classification (germline): Uncertain significance. Review status: criteria provided, multiple submitters, no conflicts (2 of 4 stars). 4 submissions from 4 submitters: Uncertain significance (4). Last evaluated 2025-07-30.

Conditions:
Hereditary cancer-predisposing syndrome. Also called: Hereditary neoplastic syndrome; Neoplastic Syndromes, Hereditary; Tumor predisposition; Hereditary Cancer Syndrome. Identifiers: Orphanet 140162, MedGen C0027672, MeSH D009386, MONDO:0015356.
Familial cancer of breast. Also called: Hereditary breast cancer; hereditary breast carcinoma; BREAST CANCER, FAMILIAL. Identifiers: Orphanet 227535, MedGen C0346153, MONDO:0016419, OMIM 114480. Disease mechanism: loss of function.
Fanconi anemia complementation group J. Also called: BRIP1-Related Fanconi Anemia. Identifiers: Orphanet 84, MedGen C1836860, MONDO:0012187, OMIM 609054.

Allele frequency attached by ClinVar (database versions not stated): ExAC 0.00001; gnomAD exomes 0.00005; TOPMed 0.00013; gnomAD 0.00027 and 0.00029.
gnomAD v4.1: 54 of 1,613,730 alleles (0.0033%); highest among the groups gnomAD compares: Admixed American, 0.085%; no homozygotes.

Submissions (4):

Labcorp Genetics (formerly Invitae), Labcorp
Classification: Uncertain significance for Familial cancer of breast; Fanconi anemia complementation group J. Last evaluated: 2025-07-30. Review status: criteria provided, single submitter. Criteria: Invitae Variant Classification Sherloc (09022015). Collection method: clinical testing. Allele origin: germline.
Comment: This sequence change replaces cysteine, which is neutral and slightly polar, with tyrosine, which is neutral and polar, at codon 58 of the BRIP1 protein (p.Cys58Tyr). This variant is present in population databases (rs749920386, gnomAD 0.03%). This variant has not been reported in the literature in individuals affected with BRIP1-related conditions. ClinVar contains an entry for this variant (Variation ID: 407812). Invitae Evidence Modeling of protein sequence and biophysical properties (such as structural, functional, and spatial information, amino acid conservation, physicochemical variation, residue mobility, and thermodynamic stability) indicates that this missense variant is expected to disrupt BRIP1 protein function with a positive predictive value of 95%. In summary, the available evidence is currently insufficient to determine the role of this variant in disease. Therefore, it has been classified as a Variant of Uncertain Significance.

Ambry Genetics
Classification: Uncertain significance for Hereditary cancer-predisposing syndrome. Last evaluated: 2024-05-26. Review status: criteria provided, single submitter. Criteria: Ambry Variant Classification Scheme 2023. Collection method: clinical testing. Allele origin: germline.
Comment: The p.C58Y variant (also known as c.173G>A), located in coding exon 2 of the BRIP1 gene, results from a G to A substitution at nucleotide position 173. The cysteine at codon 58 is replaced by tyrosine, an amino acid with highly dissimilar properties. This amino acid position is well conserved in available vertebrate species. In addition, this alteration is predicted to be deleterious by in silico analysis. Since supporting evidence is limited at this time, the clinical significance of this alteration remains unclear.

Baylor Genetics
Classification: Uncertain significance for Familial cancer of breast. Last evaluated: 2023-11-18. Review status: criteria provided, single submitter. Criteria: ACMG Guidelines, 2015. Collection method: clinical testing. Allele origin: unknown.

Color Diagnostics, LLC DBA Color Health
Classification: Uncertain significance for Hereditary cancer-predisposing syndrome. Last evaluated: 2023-02-21. Review status: criteria provided, single submitter. Criteria: ACMG Guidelines, 2015. Collection method: clinical testing. Allele origin: germline.
Comment: This missense variant replaces cysteine with tyrosine at codon 58 of the BRIP1 protein. Computational prediction tool suggests that this variant may not impact protein structure and function (internally defined REVEL score threshold <=0.5, PMID: 27666373). To our knowledge, functional studies have not been performed for this variant. This variant has not been reported in individuals affected with hereditary cancer in the literature. This variant has been identified in 13/251388 chromosomes in the general population by the Genome Aggregation Database (gnomAD). The available evidence is insufficient to determine the role of this variant in disease conclusively. Therefore, this variant is classified as a Variant of Uncertain Significance.

Literature cited by the submitters: PubMed 31206626 (cited by Ambry Genetics).

NM_032043.3(BRIP1):c.173G>A (p.Cys58Tyr)

Gene: BRIP1 (BRCA1 interacting DNA helicase 1; minus strand). Cytogenetic location: 17q23.2.
Variant type: single nucleotide variant.
Coding change: c.173G>A on transcript NM_032043.3 (MANE Select); coding-DNA position 173, G replaced by A.
Protein change: p.Cys58Tyr; replaces cysteine 58 with tyrosine.
Molecular consequence: missense variant.
Genome position (GRCh38, 1-based): chr17:61,859,828, C>T on the plus strand (G>A on the coding strand, the complement: BRIP1 is on the minus strand). VCF-style: chr17-61859828-C-T. GRCh37 (hg19) VCF-style: chr17-59937189-C-T.
Other names: short protein forms C58Y.
Identifiers: ClinVar variation 407812 (VCV000407812.23), dbSNP rs749920386, ClinGen allele CA8690983.